The following is an entry in ClinVar:

ClinVar aggregate classification (germline): Uncertain significance (1 of 4 stars; one submission).

Submission:

Labcorp Genetics (formerly Invitae), Labcorp
Classification: Uncertain significance. Last evaluated: 2025-03-17. Review status: criteria provided, single submitter. Criteria: Invitae Variant Classification Sherloc (09022015). Collection method: clinical testing. Allele origin: germline.
Comment: This variant, c.1423_1425del, results in the deletion of 1 amino acid(s) of the NYX protein (p.Val475del), but otherwise preserves the integrity of the reading frame. This variant is not present in population databases (gnomAD no frequency). This variant has not been reported in the literature in individuals affected with NYX-related conditions. Experimental studies and prediction algorithms are not available or were not evaluated, and the functional significance of this variant is currently unknown. In summary, the available evidence is currently insufficient to determine the role of this variant in disease. Therefore, it has been classified as a Variant of Uncertain Significance.

NM_001378477.3(NYX):c.1405GTG[1] (p.Val470del)

Gene: NYX (nyctalopin; plus strand). Cytogenetic location: Xp11.4.
Variant type: Microsatellite.
Coding change: c.1405GTG[1] on transcript NM_001378477.3 (MANE Select); one copy of the 3-base unit GTG starting at c.1405; the reference has two copies in a row; one copy, 3 bases deleted.
Protein change: p.Val470del; deletes valine 470.
Genome position (GRCh38, 1-based): chrX:41,474,876-41,474,878, GTG deleted; deleting any 3 consecutive bases within chrX:41,474,873-41,474,878 gives the same sequence; the position shown is the placement nearest the transcript's 3' end. VCF-style (leftmost placement, unchanged base first): chrX-41474872-CGTG-C. GRCh37 (hg19) VCF-style: chrX-41334125-CGTG-C.
Other names: c.1405GTG[1], p.Val470del (NM_022567.3); short protein forms V470del.
Identifiers: ClinVar variation 3688621 (VCV003688621.2).
Genomic context (GRCh38, chrX:41,474,872, plus strand): 5'-CGCGGGCCGGCAGCCCTGGTTTCTCCTCGCCTCTTGTCTCCTGCCCAGCGTGGCCCAGCA[CGTG>C]GTGTTTGGCCTGCAGATGGACTGACCTGGCCAGAGGGGGGAAAGTTTGCTTAACTGGGCT-3'